The following is an entry in ClinVar:

ClinVar aggregate classification (germline): Uncertain significance (1 of 4 stars; one submission).

Submission:

Labcorp Genetics (formerly Invitae), Labcorp
Classification: Uncertain significance. Last evaluated: 2022-01-03. Review status: criteria provided, single submitter. Criteria: Invitae Variant Classification Sherloc (09022015). Collection method: clinical testing. Allele origin: germline.
Comment: This sequence change replaces aspartic acid, which is acidic and polar, with asparagine, which is neutral and polar, at codon 109 of the TANC2 protein (p.Asp109Asn). This variant is not present in population databases (gnomAD no frequency). This variant has not been reported in the literature in individuals affected with TANC2-related conditions. Algorithms developed to predict the effect of missense changes on protein structure and function (SIFT, PolyPhen-2, Align-GVGD) all suggest that this variant is likely to be tolerated. In summary, the available evidence is currently insufficient to determine the role of this variant in disease. Therefore, it has been classified as a Variant of Uncertain Significance.

NM_001394998.1(TANC2):c.547G>A (p.Asp183Asn)

Gene: TANC2 (tetratricopeptide repeat, ankyrin repeat and coiled-coil containing 2; plus strand). Cytogenetic location: 17q23.3.
Variant type: single nucleotide variant.
Coding change: c.547G>A on transcript NM_001394998.1 (MANE Select); coding-DNA position 547, G replaced by A.
Protein change: p.Asp183Asn; replaces aspartic acid 183 with asparagine.
Molecular consequence: missense variant.
Genome position (GRCh38, 1-based): chr17:63,194,104, G>A. VCF-style: chr17-63194104-G-A. GRCh37 (hg19) VCF-style: chr17-61271465-G-A.
Other names: c.325G>A, p.Asp109Asn (NM_001411076.1, NM_025185.4); short protein forms D109N, D183N.
Identifiers: ClinVar variation 2067724 (VCV002067724.4), dbSNP rs1174496373, ClinGen allele CA400793265.
Genomic context (GRCh38, chr17:63,194,104, plus strand): 5'-ACACTCATGACTCGTCTGGGTTTCCTCCTTGGAGAGAAAGTCACAGAAGTTCAGCCAGGT[G>A]ACCAATACAGCATGGAAGTACAGGATGAAAATCAGGTAAGCTGTTTGCTATCACCTTTGT-3'
Protein context (NP_001381927.1, residues 173-193): GEKVTEVQPG[Asp183Asn]QYSMEVQDEN